The following is an entry in ClinVar:

NM_020247.5(COQ8A):c.638_645del (p.Arg213fs)

Gene: COQ8A (coenzyme Q8A; plus strand). Cytogenetic location: 1q42.13.
Variant type: Deletion.
Coding change: c.638_645del on transcript NM_020247.5 (MANE Select); coding-DNA positions 638 to 645, 8 bases deleted (GGCTGGCC; older notation c.638_645delGGCTGGCC).
Protein change: p.Arg213fs; shifts the reading frame from arginine 213.
Molecular consequence: frameshift variant.
Genome position (GRCh38, 1-based): chr1:226,965,720-226,965,727, GGCTGGCC deleted; deleting any 8 consecutive bases within chr1:226,965,715-226,965,727 gives the same sequence; the c. name uses the placement nearest the transcript's 3' end. VCF-style (leftmost placement, unchanged base first): chr1-226965714-TTGGCCGGC-T. GRCh37 (hg19) VCF-style: chr1-227153415-TTGGCCGGC-T.
Other names: short protein forms R213fs.
Identifiers: ClinVar variation 281924 (VCV000281924.10), dbSNP rs886042265, ClinGen allele CA10604004.

ClinVar aggregate classification (germline): Pathogenic/Likely pathogenic. Review status: criteria provided, multiple submitters, no conflicts (2 of 4 stars). 4 submissions from 4 submitters: Pathogenic (3); Likely pathogenic (1). Last evaluated 2024-03-13.

Conditions:
Autosomal recessive ataxia due to ubiquinone deficiency. Also called: SPINOCEREBELLAR ATAXIA, AUTOSOMAL RECESSIVE 9; Coenzyme Q10 deficiency, primary, 4. Identifiers: Orphanet 139485, MedGen C2677589, MONDO:0012784, OMIM 612016.

Submissions (4):

Baylor Genetics
Classification: Likely pathogenic for Autosomal recessive ataxia due to ubiquinone deficiency. Last evaluated: 2024-03-13. Review status: criteria provided, single submitter. Criteria: ACMG Guidelines, 2015. Collection method: clinical testing. Allele origin: unknown.

Labcorp Genetics (formerly Invitae), Labcorp
Classification: Pathogenic. Last evaluated: 2023-06-30. Review status: criteria provided, single submitter. Criteria: Invitae Variant Classification Sherloc (09022015). Collection method: clinical testing. Allele origin: germline.
Comment: This variant is present in population databases (no rsID available, gnomAD 0.0009%). This sequence change creates a premature translational stop signal (p.Arg213Glnfs*71) in the COQ8A gene. It is expected to result in an absent or disrupted protein product. Loss-of-function variants in COQ8A are known to be pathogenic (PMID: 18319074, 20580948). This variant has not been reported in the literature in individuals affected with COQ8A-related conditions. For these reasons, this variant has been classified as Pathogenic. ClinVar contains an entry for this variant (Variation ID: 281924).

Athena Diagnostics
Classification: Pathogenic. Last evaluated: 2022-06-30. Review status: criteria provided, single submitter. Criteria: Athena Diagnostics Criteria. Collection method: clinical testing. Allele origin: unknown.
Comment: This variant is expected to result in the loss of a functional protein. The frequency of this variant in the general population is consistent with pathogenicity. This variant has been identified in at least one individual tested at Athena Diagnostics with clinical features associated with this gene.

Eurofins Ntd Llc (ga)
Classification: Pathogenic. Last evaluated: 2015-07-10. Review status: criteria provided, single submitter. Criteria: EGL Classification Definitions 2015. Collection method: clinical testing. Allele origin: germline. Observed: 1 variant allele, 1 heterozygote.

Literature cited by the submitters: PubMed 18319074 (cited by Labcorp Genetics (formerly Invitae), Labcorp); PubMed 20580948 (cited by Labcorp Genetics (formerly Invitae), Labcorp); PubMed 29255295 (cited by Athena Diagnostics).